The following is an entry in ClinVar:

ClinVar aggregate classification (germline): Conflicting classifications of pathogenicity. Review status: criteria provided, conflicting classifications (1 of 4 stars). 17 submissions from 17 submitters: Uncertain significance (4); Benign (1); Likely benign (10). 2 of the submissions do not count toward it. Last evaluated 2026-02-01.

Conditions:
PNKP-related disorder. Also called: PNKP-related disorders; PNKP-related condition.
Microcephaly, seizures, and developmental delay. Identifiers: Orphanet 1934, MedGen C3150667, MONDO:0013254, OMIM 613402.
Charcot-Marie-Tooth disease type 2B2 (CMT2B2). Also called: CHARCOT-MARIE-TOOTH DISEASE, NEURONAL, TYPE 2B2; CHARCOT-MARIE-TOOTH DISEASE, AXONAL, TYPE 2B2; Charcot-Marie-Tooth Neuropathy Type 2B2; CHARCOT-MARIE-TOOTH DISEASE, AXONAL, AUTOSOMAL RECESSIVE, TYPE 2B2. Identifiers: Orphanet 101101, MedGen C1854150, MONDO:0011570, OMIM 605589.
Ataxia - oculomotor apraxia type 4. Identifiers: Orphanet 459033, MedGen C4225397, MONDO:0014557, OMIM 616267.
Inborn genetic diseases. Identifiers: MedGen C0950123, MeSH D030342.
Developmental and epileptic encephalopathy, 12 (DEE12). Identifiers: MedGen C3150988, MONDO:0013389, OMIM 613722.

Allele frequency attached by ClinVar (database versions not stated): TOPMed 0.00207; 1000 Genomes Project 30x 0.00062; gnomAD 0.00185 and 0.00183; ESP Exome Variant Server 0.00231; 1000 Genomes Project 0.00060.
gnomAD v4.1: 4,714 of 1,614,214 alleles (0.29%); highest among the groups gnomAD compares: Non-Finnish European, 0.36%; 7 homozygotes.

Submissions (17):

CeGaT Center for Human Genetics Tuebingen
Classification: Likely benign. Last evaluated: 2026-02-01. Review status: criteria provided, single submitter. Criteria: CeGaT Center For Human Genetics Tuebingen Variant Classification Criteria Version 2. Collection method: clinical testing. Allele origin: germline. Affected: yes. Observed: 18 variant alleles.
Comment: PNKP: BP4, BS2

Labcorp Genetics (formerly Invitae), Labcorp
Classification: Benign for Developmental and epileptic encephalopathy, 12. Last evaluated: 2026-01-28. Review status: criteria provided, single submitter. Criteria: Invitae Variant Classification Sherloc (09022015). Collection method: clinical testing. Allele origin: germline.

Mayo Clinic Laboratories, Mayo Clinic
Classification: Likely benign. Last evaluated: 2025-04-30. Review status: criteria provided, single submitter. Criteria: ACMG Guidelines, 2015. Collection method: clinical testing. Allele origin: germline. Observed: 15 variant alleles.
Comment: BS2, BP4

Athena Diagnostics
Classification: Likely benign. Last evaluated: 2025-04-25. Review status: criteria provided, single submitter. Criteria: Athena Diagnostics Criteria. Collection method: clinical testing. Allele origin: unknown.
Comment: The frequency of this variant in the general population is higher than would generally be expected for pathogenic variants in this gene. Computational tools predict this amino acid change may be benign.

ARUP Laboratories, Molecular Genetics and Genomics, ARUP Laboratories
Classification: Likely benign. Last evaluated: 2025-03-14. Review status: criteria provided, single submitter. Criteria: ARUP Molecular Germline Variant Investigation Process 2024. Collection method: clinical testing. Allele origin: germline.

Blueprint Genetics
Classification: Likely benign. Last evaluated: 2024-11-27. Review status: criteria provided, single submitter. Criteria: ACMG Guidelines, 2015. Collection method: clinical testing. Allele origin: germline.

Women's Health and Genetics/Laboratory Corporation of America, LabCorp
Classification: Likely benign. Last evaluated: 2023-05-10. Review status: criteria provided, single submitter. Criteria: LabCorp Variant Classification Summary - May 2015. Collection method: clinical testing. Allele origin: germline.
Comment: Variant summary: PNKP c.416G>A (p.Arg139His) results in a non-conservative amino acid change in the encoded protein sequence. Four of five in-silico tools predict a benign effect of the variant on protein function. The variant allele was found at a frequency of 0.0019 in 251392 control chromosomes in the gnomAD database, including 2 homozygotes. To our knowledge, c.416G>A has not been reported in the literature in individuals affected with PNKP-Related Disorders and no experimental evidence demonstrating an impact on protein function has been reported. The following publications have been ascertained in the context of this evaluation (PMID: 23833122, 34009545). 13 clinical diagnostic laboratories have submitted clinical-significance assessments for this variant to ClinVar after 2014 without evidence for independent evaluation. Multiple laboratories reported the variant with conflicting assessments (VUS (n=6), likely benign (n=6), benign (n=1)). Based on the evidence outlined above, the variant was classified as likely benign.

Center for Genomics, Ann and Robert H. Lurie Children's Hospital of Chicago
Classification: Likely benign for Charcot-Marie-Tooth disease type 2B2; Ataxia - oculomotor apraxia type 4; Microcephaly, seizures, and developmental delay. Last evaluated: 2021-11-11. Review status: criteria provided, single submitter. Criteria: ACMG Guidelines, 2015. Collection method: clinical testing. Allele origin: germline.
Comment: PNKP NM_007254.3 exon 4 p.Arg139His (c.416G>A): This variant has not been reported in the literature but is present in the Genome Aggregation Database (Highest reported MAF 0.3% [4224/1180026] including 7 homozygotes). This variant is present in ClinVar, with classifications ranging from Variant of Uncertain Significance to Benign (Variation ID: 159794). Evolutionary conservation and computational prediction tools suggest that this variant may not impact the protein. In summary, data on this variant suggests that this variant does not cause disease but requires further evidence. Therefore, this variant is classified as likely benign.

GeneDx
Classification: Likely benign. Last evaluated: 2021-04-15. Review status: criteria provided, single submitter. Criteria: GeneDx Variant Classification Process June 2021. Collection method: clinical testing. Allele origin: germline. Affected: yes.

Genetic Services Laboratory, University of Chicago
Classification: Likely benign. Last evaluated: 2020-04-13. Review status: criteria provided, single submitter. Criteria: ACMG Guidelines, 2015. Collection method: clinical testing. Allele origin: germline. Affected: no.

Ambry Genetics
Classification: Uncertain significance for Inborn genetic diseases. Last evaluated: 2019-02-08. Review status: criteria provided, single submitter. Criteria: Ambry Variant Classification Scheme 2023. Collection method: clinical testing. Allele origin: germline.
Comment: The p.R139H variant (also known as c.416G>A), located in coding exon 3 of the PNKP gene, results from a G to A substitution at nucleotide position 416. The arginine at codon 139 is replaced by histidine, an amino acid with highly similar properties. This amino acid position is well conserved in available vertebrate species. In addition, this alteration is predicted to be tolerated by in silico analysis. Since supporting evidence is limited at this time, the clinical significance of this alteration remains unclear.

Illumina Laboratory Services, Illumina
Classification: Likely benign for Microcephaly, seizures, and developmental delay. Last evaluated: 2018-01-12. Review status: criteria provided, single submitter. Criteria: ICSL Variant Classification Criteria 13 December 2019. Collection method: clinical testing. Allele origin: germline.
Comment: This variant was observed in the ICSL laboratory as part of a predisposition screen in an ostensibly healthy population. It had not been previously curated by ICSL or reported in the Human Gene Mutation Database (HGMD: prior to June 1st, 2018), and was therefore a candidate for classification through an automated scoring system. Utilizing variant allele frequency, disease prevalence and penetrance estimates, and inheritance mode, an automated score was calculated to assess if this variant is too frequent to cause the disease. Based on the score and internal cut-off values, a variant classified as likely benign is not then subjected to further curation. The score for this variant resulted in a classification of likely benign for this disease.

Eurofins Ntd Llc (ga)
Classification: Uncertain significance. Last evaluated: 2017-12-14. Review status: criteria provided, single submitter. Criteria: EGL Classification Definitions 2015. Collection method: clinical testing. Allele origin: germline. Observed: 14 variant alleles, 14 heterozygotes.

Fulgent Genetics
Classification: Uncertain significance for Microcephaly, seizures, and developmental delay; Ataxia - oculomotor apraxia type 4. Last evaluated: 2017-05-23. Review status: criteria provided, single submitter. Criteria: ACMG Guidelines, 2015. Collection method: clinical testing. Allele origin: unknown.

Center for Pediatric Genomic Medicine, Children's Mercy Hospital and Clinics
Classification: Uncertain significance. Last evaluated: 2016-09-28. Review status: criteria provided, single submitter. Criteria: ACMG Guidelines, 2015. Collection method: clinical testing. Allele origin: germline.
ClinVar note: Converted during submission from Uncertain Significance to Uncertain significance.

PreventionGenetics, part of Exact Sciences
Classification: Likely benign for PNKP-related condition. Last evaluated: 2019-12-27. Review status: no assertion criteria provided. Collection method: clinical testing. Allele origin: germline. Not counted in ClinVar's aggregate classification.
Comment: This variant is classified as likely benign based on ACMG/AMP sequence variant interpretation guidelines (Richards et al. 2015 PMID: 25741868, with internal and published modifications).

Division of Human Genetics, Children's Hospital of Philadelphia
Classification: Uncertain significance for Microcephaly, seizures and developmental delay. Last evaluated: 2014-12-12. Review status: no assertion criteria provided. Collection method: research. Allele origin: germline. Affected: yes. Study: CSER-PediSeq. Not counted in ClinVar's aggregate classification.
Comment: It occurs at low frequencies in control population (0.2% in ExAC) and a second rare variant was not observed on the other allele. This variant is considered a variant of unknown significance.

Literature cited by the submitters: PubMed 34009545 (cited by Athena Diagnostics and Women's Health and Genetics/Laboratory Corporation of America, LabCorp); PubMed 23833122 (cited by Athena Diagnostics and Women's Health and Genetics/Laboratory Corporation of America, LabCorp); PubMed 33332469 (cited by Athena Diagnostics).

NM_007254.4(PNKP):c.416G>A (p.Arg139His)

Gene: PNKP (polynucleotide kinase 3'-phosphatase; minus strand). Cytogenetic location: 19q13.33.
Variant type: single nucleotide variant.
Coding change: c.416G>A on transcript NM_007254.4 (MANE Select); coding-DNA position 416, G replaced by A.
Protein change: p.Arg139His; replaces arginine 139 with histidine.
Molecular consequence: missense variant.
Genome position (GRCh38, 1-based): chr19:49,865,209, C>T on the plus strand (G>A on the coding strand, the complement: PNKP is on the minus strand). VCF-style: chr19-49865209-C-T. GRCh37 (hg19) VCF-style: chr19-50368466-C-T.
Other names: short protein forms R139H.
Identifiers: ClinVar variation 159794 (VCV000159794.77), dbSNP rs34472250, ClinGen allele CA234706.